The following is an entry in ClinVar:

ClinVar aggregate classification (germline): Uncertain significance (1 of 4 stars; one submission).

Conditions:
Cardiovascular phenotype. Identifiers: MedGen CN230736.

Submission:

Ambry Genetics
Classification: Uncertain significance for Cardiovascular phenotype. Last evaluated: 2026-08-29. Review status: criteria provided, single submitter. Criteria: Ambry Variant Classification Scheme 2023. Collection method: clinical testing. Allele origin: germline.
Comment: The p.I1700V variant (also known as c.5098A>G), located in coding exon 27 of the SCN10A gene, results from an A to G substitution at nucleotide position 5098. The isoleucine at codon 1700 is replaced by valine, an amino acid with highly similar properties. This amino acid position is conserved. In addition, this alteration is predicted to be tolerated by in silico analysis. Based on the available evidence, the clinical significance of this variant remains unclear.

NM_006514.4(SCN10A):c.5098A>G (p.Ile1700Val)

Gene: SCN10A (sodium voltage-gated channel alpha subunit 10; minus strand). Cytogenetic location: 3p22.2.
Variant type: single nucleotide variant.
Coding change: c.5098A>G on transcript NM_006514.4 (MANE Select); coding-DNA position 5098, A replaced by G.
Protein change: p.Ile1700Val; replaces isoleucine 1700 with valine.
Molecular consequence: missense variant.
Genome position (GRCh38, 1-based): chr3:38,698,122, T>C on the plus strand (A>G on the coding strand, the complement: SCN10A is on the minus strand). VCF-style: chr3-38698122-T-C. GRCh37 (hg19) VCF-style: chr3-38739613-T-C.
Other names: c.5095A>G, p.Ile1699Val (NM_001293306.2); c.4804A>G, p.Ile1602Val (NM_001293307.2); short protein forms I1700V, I1602V, I1699V.
Identifiers: ClinVar variation 5029097 (VCV005029097.1).
Genomic context (GRCh38, chr3:38,698,122, plus strand): 5'-CTGCAATGTACATGTTGACCATGATGAGGAAGGAGATGATGATGTAGGTGGTGAAGAAGA[T>C]GATGCCTACGGCTGGGCTCCCACAGTCCCCTCTGGTGCCATTGCTGTTGGGCAGATTGGG-3'
Protein context (NP_006505.4, residues 1690-1710): GDCGSPAVGI[Ile1700Val]FFTTYIIISF